The following is an entry in ClinVar:

ClinVar aggregate classification (germline): Conflicting classifications of pathogenicity. Review status: criteria provided, conflicting classifications (1 of 4 stars). 8 submissions from 8 submitters: Uncertain significance (1); Benign (2); Likely benign (5). Last evaluated 2026-01-26.

Conditions:
Hereditary cancer-predisposing syndrome. Also called: Tumor predisposition; Hereditary Cancer Syndrome; Hereditary neoplastic syndrome; Neoplastic Syndromes, Hereditary. Identifiers: Orphanet 140162, MedGen C0027672, MeSH D009386, MONDO:0015356.
Tuberous sclerosis syndrome (TSC). Also called: Tuberous Sclerosis Complex; Tuberous sclerosis. Identifiers: Orphanet 805, MedGen C0041341, MONDO:0001734.
Tuberous sclerosis 2 (TSC2). Identifiers: Orphanet 805, MedGen C1860707, MONDO:0013199, OMIM 613254.

Allele frequency attached by ClinVar (database versions not stated): gnomAD exomes below 0.00001 and 0.00001; ExAC 0.00001; TOPMed 0.00003; gnomAD 0.00005; ESP Exome Variant Server 0.00008.
gnomAD v4.1: 16 of 1,610,562 alleles (0.00099%); highest among the groups gnomAD compares: African/African-American, 0.0093%; no homozygotes.

Submissions (8):

Labcorp Genetics (formerly Invitae), Labcorp
Classification: Benign for Tuberous sclerosis 2. Last evaluated: 2026-01-26. Review status: criteria provided, single submitter. Criteria: Invitae Variant Classification Sherloc (09022015). Collection method: clinical testing. Allele origin: germline.

Myriad Genetics, Inc.
Classification: Benign for Tuberous sclerosis 2. Last evaluated: 2025-06-05. Review status: criteria provided, single submitter. Criteria: Myriad Autosomal Dominant, Autosomal Recessive and X-Linked Classification Criteria (2023). Collection method: clinical testing. Allele origin: unknown.
Comment: This variant is considered benign. This variant is a silent/synonymous amino acid change and it is not expected to impact splicing.

All of Us Research Program, National Institutes of Health
Classification: Likely benign for Tuberous sclerosis syndrome. Last evaluated: 2023-12-01. Review status: criteria provided, single submitter. Criteria: ACMG Guidelines, 2015. Collection method: clinical testing. Allele origin: germline. Inheritance: Autosomal dominant inheritance. Observed: 5 variant alleles, 5 heterozygotes.
Comment: This study involves interpretation of variants in research participants for the purpose of population health screening. Participant phenotype was not available at the time of variant classification. Additional details can be found in publication PMID: 35346344, PMCID: PMC8962531

Color Diagnostics, LLC DBA Color Health
Classification: Likely benign for Tuberous sclerosis syndrome. Last evaluated: 2022-11-06. Review status: criteria provided, single submitter. Criteria: ACMG Guidelines, 2015. Collection method: clinical testing. Allele origin: germline.

Genome-Nilou Lab
Classification: Likely benign for Tuberous sclerosis 2. Last evaluated: 2021-11-07. Review status: criteria provided, single submitter. Criteria: ACMG Guidelines, 2015. Collection method: clinical testing. Allele origin: germline. Affected: no.

GeneDx
Classification: Likely benign. Last evaluated: 2020-07-10. Review status: criteria provided, single submitter. Criteria: GeneDx Variant Classification Process June 2021. Collection method: clinical testing. Allele origin: germline. Affected: yes.

Ambry Genetics
Classification: Likely benign for Hereditary cancer-predisposing syndrome. Last evaluated: 2020-01-06. Review status: criteria provided, single submitter. Criteria: Ambry Variant Classification Scheme 2023. Collection method: clinical testing. Allele origin: germline.

Illumina Laboratory Services, Illumina
Classification: Uncertain significance for Tuberous sclerosis syndrome. Last evaluated: 2018-01-13. Review status: criteria provided, single submitter. Criteria: ICSL Variant Classification Criteria 13 December 2019. Collection method: clinical testing. Allele origin: germline.

NM_000548.5(TSC2):c.4863C>T (p.Ile1621=)

Gene: TSC2 (TSC complex subunit 2; plus strand). Cytogenetic location: 16p13.3.
Variant type: single nucleotide variant.
Coding change: c.4863C>T on transcript NM_000548.5 (MANE Select); coding-DNA position 4863, C replaced by T.
Protein change: p.Ile1621=; no amino-acid change (isoleucine 1621 retained).
Molecular consequence: synonymous variant.
Genome position (GRCh38, 1-based): chr16:2,086,745, C>T. VCF-style: chr16-2086745-C-T. GRCh37 (hg19) VCF-style: chr16-2136746-C-T.
Other names: c.4662C>T, p.Ile1554= (NM_001077183.3); c.4794C>T, p.Ile1598= (NM_001114382.3); c.4554C>T, p.Ile1518= (NM_001318827.2); c.4518C>T, p.Ile1506= (NM_001318829.2); c.4131C>T, p.Ile1377= (NM_001318831.2); c.4695C>T, p.Ile1565= (NM_001318832.2); c.4665C>T, p.Ile1555= (NM_001363528.2); c.4731C>T, p.Ile1577= (NM_001370404.1); and 1 more.
Identifiers: ClinVar variation 238067 (VCV000238067.25), dbSNP rs142085017, ClinGen allele CA052955.
Genomic context (GRCh38, chr16:2,086,745, plus strand): 5'-GCCTCAGCACTGGCCCCACAAACCCATCCGGCCCTGCTCACCCTCAGCCGTCTTCCACAT[C>T]GCCACCCTGATGCCCACCAAGGACGTGGACAAGCACCGCTGCGACAAGAAGCGCCACCTG-3'
Protein context (NP_000539.2, residues 1611-1631): HDDIMQAVFH[Ile1621=]ATLMPTKDVD